The following is an entry in ClinVar:

NM_001018115.3(FANCD2):c.1349T>C (p.Ile450Thr)

Genes: FANCD2 (FA complementation group D2; plus strand), LOC107303338 (3p25 FANCD2 Alu-mediated recombination region; plus strand). Cytogenetic location: 3p25.3.
Variant type: single nucleotide variant.
Coding change: c.1349T>C on transcript NM_001018115.3 (MANE Select); coding-DNA position 1349, T replaced by C.
Protein change: p.Ile450Thr; replaces isoleucine 450 with threonine.
Molecular consequence: missense variant.
Genome position (GRCh38, 1-based): chr3:10,047,987, T>C. VCF-style: chr3-10047987-T-C. GRCh37 (hg19) VCF-style: chr3-10089671-T-C.
Other names: c.1349T>C, p.Ile450Thr (NM_001319984.2, NM_001374253.1, NM_001374254.1 and 1 more transcripts); short protein forms I450T.
Identifiers: ClinVar variation 1426391 (VCV001426391.22), dbSNP rs549790164, ClinGen allele CA2249617.

ClinVar aggregate classification (germline): Conflicting classifications of pathogenicity. Review status: criteria provided, conflicting classifications (1 of 4 stars). 2 submissions from 2 submitters: Uncertain significance (1); Likely benign (1). Last evaluated 2024-11-01.

Conditions:
Fanconi anemia (FA). Also called: Fanconi's anemia. Identifiers: Orphanet 84, MedGen C0015625, MeSH D005199, MONDO:0019391.

Allele frequency attached by ClinVar (database versions not stated): 1000 Genomes Project 30x 0.00016; 1000 Genomes Project 0.00020.

Submissions (2):

CeGaT Center for Human Genetics Tuebingen
Classification: Likely benign. Last evaluated: 2024-11-01. Review status: criteria provided, single submitter. Criteria: CeGaT Center For Human Genetics Tuebingen Variant Classification Criteria Version 2. Collection method: clinical testing. Allele origin: germline. Affected: yes. Observed: 1 variant allele.
Comment: FANCD2: BP4

Labcorp Genetics (formerly Invitae), Labcorp
Classification: Uncertain significance for Fanconi anemia. Last evaluated: 2020-11-23. Review status: criteria provided, single submitter. Criteria: Invitae Variant Classification Sherloc (09022015). Collection method: clinical testing. Allele origin: germline.
Comment: This sequence change replaces isoleucine with threonine at codon 450 of the FANCD2 protein (p.Ile450Thr). The isoleucine residue is weakly conserved and there is a moderate physicochemical difference between isoleucine and threonine. This variant is present in population databases (rs549790164, ExAC 0.01%). This variant has not been reported in the literature in individuals with FANCD2-related conditions. Algorithms developed to predict the effect of missense changes on protein structure and function are either unavailable or do not agree on the potential impact of this missense change (SIFT: "Deleterious"; PolyPhen-2: "Benign"; Align-GVGD: "Class C0"). In summary, the available evidence is currently insufficient to determine the role of this variant in disease. Therefore, it has been classified as a Variant of Uncertain Significance.